The following is an entry in ClinVar:

ClinVar aggregate classification (germline): Uncertain significance (1 of 4 stars; one submission).

Conditions:
Leber congenital amaurosis 6 (LCA6). Identifiers: Orphanet 65, MedGen C1854260, MONDO:0013446, OMIM 613826.
Cone-rod dystrophy 13 (CORD13). Identifiers: Orphanet 1872, MedGen C2750720, MONDO:0011987, OMIM 608194.

gnomAD v4.1: 1 of 1,604,012 alleles (0.000062%); no homozygotes.

Submission:

Labcorp Genetics (formerly Invitae), Labcorp
Classification: Uncertain significance for Leber congenital amaurosis 6; Cone-rod dystrophy 13. Last evaluated: 2022-05-12. Review status: criteria provided, single submitter. Criteria: Invitae Variant Classification Sherloc (09022015). Collection method: clinical testing. Allele origin: germline.
Comment: In summary, the available evidence is currently insufficient to determine the role of this variant in disease. Therefore, it has been classified as a Variant of Uncertain Significance. Algorithms developed to predict the effect of missense changes on protein structure and function (SIFT, PolyPhen-2, Align-GVGD) all suggest that this variant is likely to be tolerated. This variant has not been reported in the literature in individuals affected with RPGRIP1-related conditions. This variant is not present in population databases (gnomAD no frequency). This sequence change replaces valine, which is neutral and non-polar, with phenylalanine, which is neutral and non-polar, at codon 773 of the RPGRIP1 protein (p.Val773Phe).

NM_020366.4(RPGRIP1):c.2317G>T (p.Val773Phe)

Gene: RPGRIP1 (RPGR interacting protein 1; plus strand). Cytogenetic location: 14q11.2.
Variant type: single nucleotide variant.
Coding change: c.2317G>T on transcript NM_020366.4 (MANE Select); coding-DNA position 2317, G replaced by T.
Protein change: p.Val773Phe; replaces valine 773 with phenylalanine.
Molecular consequence: missense variant. On other transcripts: intron variant (4).
Genome position (GRCh38, 1-based): chr14:21,325,333, G>T. VCF-style: chr14-21325333-G-T. GRCh37 (hg19) VCF-style: chr14-21793492-G-T.
Other names: c.1243G>T, p.Val415Phe (NM_001377948.1); c.796+608G>T (NM_001377949.1); c.689-2290G>T (NM_001377523.1, NM_001377950.1); c.191-2290G>T (NM_001377951.1); short protein forms V773F, V415F.
Identifiers: ClinVar variation 1993405 (VCV001993405.4), dbSNP rs1199391518, ClinGen allele CA388868601.